The following is an entry in ClinVar:

NM_007194.4(CHEK2):c.920G>C (p.Gly307Ala)

Gene: CHEK2 (checkpoint kinase 2; minus strand). Cytogenetic location: 22q12.1.
Variant type: single nucleotide variant.
Coding change: c.920G>C on transcript NM_007194.4 (MANE Select); coding-DNA position 920, G replaced by C.
Protein change: p.Gly307Ala; replaces glycine 307 with alanine.
Molecular consequence: missense variant.
Genome position (GRCh38, 1-based): chr22:28,699,926, C>G on the plus strand (G>C on the coding strand, the complement: CHEK2 is on the minus strand). VCF-style: chr22-28699926-C-G. GRCh37 (hg19) VCF-style: chr22-29095914-C-G.
Other names: c.1049G>C, p.Gly350Ala (NM_001005735.3); c.257G>C, p.Gly86Ala (NM_001257387.3); c.719G>C, p.Gly240Ala (NM_001349956.3); c.920G>C, p.Gly307Ala (NM_145862.3); short protein forms G350A, G307A, G86A, G240A.
Identifiers: ClinVar variation 1766201 (VCV001766201.3), dbSNP rs876661053, ClinGen allele CA411100132.

ClinVar aggregate classification (germline): Uncertain significance (1 of 4 stars; one submission).

Conditions:
Hereditary cancer-predisposing syndrome. Also called: Neoplastic Syndromes, Hereditary; Tumor predisposition; Hereditary Cancer Syndrome; Hereditary neoplastic syndrome. Identifiers: Orphanet 140162, MedGen C0027672, MeSH D009386, MONDO:0015356.

Submission:

Ambry Genetics
Classification: Uncertain significance for Hereditary cancer-predisposing syndrome. Last evaluated: 2025-10-30. Review status: criteria provided, single submitter. Criteria: Ambry Variant Classification Scheme 2023. Collection method: clinical testing. Allele origin: germline.
Comment: The p.G307A variant (also known as c.920G>C), located in coding exon 8 of the CHEK2 gene, results from a G to C substitution at nucleotide position 920. The glycine at codon 307 is replaced by alanine, an amino acid with similar properties. This amino acid position is highly conserved in available vertebrate species. In addition, this alteration is predicted to be deleterious by in silico analysis. Since supporting evidence is limited at this time, the clinical significance of this alteration remains unclear.